The following is an entry in ClinVar:

ClinVar aggregate classification (germline): Benign/Likely benign. Review status: criteria provided, multiple submitters, no conflicts (2 of 4 stars). 8 submissions from 8 submitters: Benign (3); Likely benign (5). Last evaluated 2026-01-28.

Conditions:
Early-infantile DEE. Also called: Ohtahara syndrome; Early infantile epileptic encephalopathy; Early infantile epileptic encephalopathy with suppression bursts. Identifiers: Orphanet 1934, MedGen C0393706, MONDO:0800491.
Inborn genetic diseases. Identifiers: MedGen C0950123, MeSH D030342.
Developmental and epileptic encephalopathy, 5 (DEE5). Identifiers: Orphanet 3451, MedGen C3150731, MONDO:0013277, OMIM 613477.

Allele frequency attached by ClinVar (database versions not stated): ExAC 0.00011; gnomAD exomes 0.00012 and 0.00031; gnomAD 0.00013 and 0.00014; TOPMed 0.00014; 1000 Genomes Project 0.00020; 1000 Genomes Project 30x 0.00031.
gnomAD v4.1: 497 of 1,614,144 alleles (0.031%); highest among the groups gnomAD compares: Non-Finnish European, 0.039%; no homozygotes.

Submissions (8):

Labcorp Genetics (formerly Invitae), Labcorp
Classification: Benign for Early-infantile DEE. Last evaluated: 2026-01-28. Review status: criteria provided, single submitter. Criteria: Invitae Variant Classification Sherloc (09022015). Collection method: clinical testing. Allele origin: germline.

CeGaT Center for Human Genetics Tuebingen
Classification: Likely benign. Last evaluated: 2025-10-01. Review status: criteria provided, single submitter. Criteria: CeGaT Center For Human Genetics Tuebingen Variant Classification Criteria Version 2. Collection method: clinical testing. Allele origin: germline. Affected: yes. Observed: 5 variant alleles.
Comment: SPTAN1: BS2

Women's Health and Genetics/Laboratory Corporation of America, LabCorp
Classification: Likely benign. Last evaluated: 2024-09-10. Review status: criteria provided, single submitter. Criteria: LabCorp Variant Classification Summary - May 2015. Collection method: clinical testing. Allele origin: germline.
Comment: Variant summary: SPTAN1 c.2344G>A (p.Asp782Asn) results in a conservative amino acid change in the encoded protein sequence. Three of five in-silico tools predict a benign effect of the variant on protein function. The variant allele was found at a frequency of 0.00031 in 1614144 control chromosomes (i.e. 497 heterozygous individuals) in the gnomAD database (v4), suggesting it is unlikely to be associated with a penetrant, early onset, autosomal domnant disorder. To our knowledge, no occurrence of c.2344G>A in individuals affected with Epileptic Encephalopathy, Early Infantile, 5 and no experimental evidence demonstrating its impact on protein function have been reported. ClinVar contains an entry for this variant (Variation ID: 207268). Based on the evidence outlined above, the variant was classified as likely benign.

Blueprint Genetics
Classification: Likely benign. Last evaluated: 2024-08-14. Review status: criteria provided, single submitter. Criteria: ACMG Guidelines, 2015. Collection method: clinical testing. Allele origin: germline.

Fulgent Genetics
Classification: Benign for Developmental and epileptic encephalopathy, 5. Last evaluated: 2022-04-15. Review status: criteria provided, single submitter. Criteria: ACMG Guidelines, 2015. Collection method: clinical testing. Allele origin: unknown.

Genome-Nilou Lab
Classification: Benign for Developmental and epileptic encephalopathy, 5. Last evaluated: 2021-07-15. Review status: criteria provided, single submitter. Criteria: ACMG Guidelines, 2015. Collection method: clinical testing. Allele origin: germline. Affected: no.

GeneDx
Classification: Likely benign. Last evaluated: 2021-06-09. Review status: criteria provided, single submitter. Criteria: GeneDx Variant Classification Process June 2021. Collection method: clinical testing. Allele origin: germline. Affected: yes.

Ambry Genetics
Classification: Likely benign for Inborn genetic diseases. Last evaluated: 2019-12-16. Review status: criteria provided, single submitter. Criteria: Ambry Variant Classification Scheme 2023. Collection method: clinical testing. Allele origin: germline.

NM_001130438.3(SPTAN1):c.2344G>A (p.Asp782Asn)

Gene: SPTAN1 (spectrin alpha, non-erythrocytic 1; plus strand). Cytogenetic location: 9q34.11.
Variant type: single nucleotide variant.
Coding change: c.2344G>A on transcript NM_001130438.3 (MANE Select); coding-DNA position 2344, G replaced by A.
Protein change: p.Asp782Asn; replaces aspartic acid 782 with asparagine.
Molecular consequence: missense variant.
Genome position (GRCh38, 1-based): chr9:128,584,432, G>A. VCF-style: chr9-128584432-G-A. GRCh37 (hg19) VCF-style: chr9-131346711-G-A.
Other names: p.D782N:GAT>AAT; c.2344G>A, p.Asp782Asn (NM_001195532.2, NM_001363759.2, NM_001363765.2 and 1 more transcripts); short protein forms D782N.
Identifiers: ClinVar variation 207268 (VCV000207268.55), dbSNP rs199720383, ClinGen allele CA318577.